The following is an entry in ClinVar:

ClinVar aggregate classification (germline): Uncertain significance (1 of 4 stars; one submission).

Conditions:
Mucopolysaccharidosis, MPS-III-A (MPS3A). Also called: HEPARAN SULFATE SULFATASE DEFICIENCY; SANFILIPPO SYNDROME A; SULFAMIDASE DEFICIENCY; MPS III A; MUCOPOLYSACCHARIDOSIS, TYPE IIIA, ATTENUATED; Mucopolysaccharidosis type IIIA (Sanfilippo A). Identifiers: Orphanet 581, Orphanet 79269, MedGen C0086647, MONDO:0009655, OMIM 252900.

Allele frequency attached by ClinVar (database versions not stated): TOPMed 0.00001; ExAC 0.00003; ESP Exome Variant Server 0.00008; gnomAD 0.00001.
gnomAD v4.1: 20 of 1,601,820 alleles (0.0012%); highest among the groups gnomAD compares: East Asian, 0.0022%; no homozygotes.

Submission:

Labcorp Genetics (formerly Invitae), Labcorp
Classification: Uncertain significance for Mucopolysaccharidosis, MPS-III-A. Last evaluated: 2024-12-09. Review status: criteria provided, single submitter. Criteria: Invitae Variant Classification Sherloc (09022015). Collection method: clinical testing. Allele origin: germline.
Comment: This sequence change replaces alanine, which is neutral and non-polar, with valine, which is neutral and non-polar, at codon 39 of the SGSH protein (p.Ala39Val). This variant is present in population databases (rs372283734, gnomAD 0.006%). This variant has not been reported in the literature in individuals affected with SGSH-related conditions. ClinVar contains an entry for this variant (Variation ID: 2190131). Invitae Evidence Modeling of protein sequence and biophysical properties (such as structural, functional, and spatial information, amino acid conservation, physicochemical variation, residue mobility, and thermodynamic stability) indicates that this missense variant is not expected to disrupt SGSH protein function with a negative predictive value of 95%. In summary, the available evidence is currently insufficient to determine the role of this variant in disease. Therefore, it has been classified as a Variant of Uncertain Significance.

NM_000199.5(SGSH):c.116C>T (p.Ala39Val)

Gene: SGSH (N-sulfoglucosamine sulfohydrolase; minus strand). Cytogenetic location: 17q25.3.
Variant type: single nucleotide variant.
Coding change: c.116C>T on transcript NM_000199.5 (MANE Select); coding-DNA position 116, C replaced by T.
Protein change: p.Ala39Val; replaces alanine 39 with valine.
Molecular consequence: missense variant. On other transcripts: non-coding transcript variant (1).
Genome position (GRCh38, 1-based): chr17:80,217,165, G>A on the plus strand (C>T on the coding strand, the complement: SGSH is on the minus strand). VCF-style: chr17-80217165-G-A. GRCh37 (hg19) VCF-style: chr17-78190964-G-A.
Other names: c.116C>T, p.Ala39Val (NM_001352921.3, NM_001352922.2); short protein forms A39V.
Identifiers: ClinVar variation 2190131 (VCV002190131.3), dbSNP rs372283734, ClinGen allele CA8818169.